The following is an entry in ClinVar:

ClinVar aggregate classification (germline): Likely pathogenic. Review status: criteria provided, multiple submitters, no conflicts (2 of 4 stars). 2 submissions from 2 submitters: Likely pathogenic (2). Last evaluated 2025-04-19.

Conditions:
Familial thoracic aortic aneurysm and aortic dissection (TAAD). Also called: Thoracic aortic aneurysms and dissections. Identifiers: Orphanet 91387, MedGen C4707243, MONDO:0019625.
Ehlers-Danlos syndrome, type 4 (EDSVASC). Also called: Ehlers-Danlos syndrome vascular type; Ehlers Danlos syndrome, ecchymotic type; Ehlers Danlos syndrome, arterial type; Ehlers Danlos syndrome, Sack-Barabas type; Ehlers-Danlos Syndrome Type IV. Identifiers: Orphanet 286, MedGen C0268338, MONDO:0017314, OMIM 130050.

Submissions (2):

Labcorp Genetics (formerly Invitae), Labcorp
Classification: Likely pathogenic for Ehlers-Danlos syndrome, type 4. Last evaluated: 2025-04-19. Review status: criteria provided, single submitter. Criteria: Invitae Variant Classification Sherloc (09022015). Collection method: clinical testing. Allele origin: germline.
Comment: This sequence change affects a donor splice site in intron 31 of the COL3A1 gene. It is expected to disrupt RNA splicing. Variants that disrupt the donor or acceptor splice site typically lead to a loss of protein function (PMID: 16199547), and loss-of-function variants in COL3A1 are known to be pathogenic (PMID: 24922459). This variant is not present in population databases (gnomAD no frequency). This variant has not been reported in the literature in individuals affected with COL3A1-related conditions. ClinVar contains an entry for this variant (Variation ID: 640856). Algorithms developed to predict the effect of sequence changes on RNA splicing suggest that this variant may disrupt the consensus splice site. In summary, the currently available evidence indicates that the variant is pathogenic, but additional data are needed to prove that conclusively. Therefore, this variant has been classified as Likely Pathogenic.

Ambry Genetics
Classification: Likely pathogenic for Familial thoracic aortic aneurysm and aortic dissection. Last evaluated: 2023-11-03. Review status: criteria provided, single submitter. Criteria: Ambry Variant Classification Scheme 2023. Collection method: clinical testing. Allele origin: germline.
Comment: The c.2229+1G>A intronic variant results from a G to A substitution one nucleotide after coding exon 31 of the COL3A1 gene. This variant is considered to be rare based on population cohorts in the Genome Aggregation Database (gnomAD). This nucleotide position is highly conserved in available vertebrate species. In silico splice site analysis predicts that this alteration will weaken the native splice donor site and will result in the creation or strengthening of a novel splice donor site. Alterations that disrupt the canonical splice site are expected to cause aberrant splicing, resulting in an abnormal protein or a transcript that is subject to nonsense-mediated mRNA decay. As such, this alteration is classified as likely pathogenic.

Literature cited by the submitters: PubMed 16199547 (cited by Labcorp Genetics (formerly Invitae), Labcorp); PubMed 24922459 (cited by Labcorp Genetics (formerly Invitae), Labcorp).

NM_000090.4(COL3A1):c.2229+1G>A

Gene: COL3A1 (collagen type III alpha 1 chain; plus strand). Cytogenetic location: 2q32.2.
Variant type: single nucleotide variant.
Coding change: c.2229+1G>A on transcript NM_000090.4 (MANE Select); the canonical splice donor site of the intron after coding-DNA position 2229, G replaced by A.
Molecular consequence: splice donor variant.
Genome position (GRCh38, 1-based): chr2:188,999,578, G>A. VCF-style: chr2-188999578-G-A. GRCh37 (hg19) VCF-style: chr2-189864304-G-A.
Identifiers: ClinVar variation 640856 (VCV000640856.9), dbSNP rs1576468385, ClinGen allele CA349841028.